The following is an entry in ClinVar:

NM_152641.4(ARID2):c.2254C>A (p.Gln752Lys)

Gene: ARID2 (AT-rich interaction domain 2; plus strand). Cytogenetic location: 12q12.
Variant type: single nucleotide variant.
Coding change: c.2254C>A on transcript NM_152641.4 (MANE Select); coding-DNA position 2254, C replaced by A.
Protein change: p.Gln752Lys; replaces glutamine 752 with lysine.
Molecular consequence: missense variant.
Genome position (GRCh38, 1-based): chr12:45,850,377, C>A. VCF-style: chr12-45850377-C-A. GRCh37 (hg19) VCF-style: chr12-46244160-C-A.
Other names: c.2254C>A, p.Gln752Lys (NM_001347839.2); c.2254C>A (NM_152641.2); short protein forms Q752K.
Identifiers: ClinVar variation 1002129 (VCV001002129.8), dbSNP rs376582344, ClinGen allele CA236399030.

ClinVar aggregate classification (germline): Uncertain significance. Review status: criteria provided, multiple submitters, no conflicts (2 of 4 stars). 4 submissions from 4 submitters: Uncertain significance (4). Last evaluated 2022-07-27.

Conditions:
Inborn genetic diseases. Identifiers: MedGen C0950123, MeSH D030342.

Allele frequency attached by ClinVar (database versions not stated): TOPMed below 0.00001; gnomAD exomes 0.00002; ESP Exome Variant Server 0.00008.
gnomAD v4.1: 29 of 1,614,094 alleles (0.0018%); highest among the groups gnomAD compares: South Asian, 0.012%; no homozygotes.

Submissions (4):

Labcorp Genetics (formerly Invitae), Labcorp
Classification: Uncertain significance. Last evaluated: 2022-07-27. Review status: criteria provided, single submitter. Criteria: Invitae Variant Classification Sherloc (09022015). Collection method: clinical testing. Allele origin: germline.
Comment: This sequence change replaces glutamine, which is neutral and polar, with lysine, which is basic and polar, at codon 752 of the ARID2 protein (p.Gln752Lys). This variant is not present in population databases (gnomAD no frequency). This variant has not been reported in the literature in individuals affected with ARID2-related conditions. ClinVar contains an entry for this variant (Variation ID: 1002129). Algorithms developed to predict the effect of missense changes on protein structure and function (SIFT, PolyPhen-2, Align-GVGD) all suggest that this variant is likely to be tolerated. In summary, the available evidence is currently insufficient to determine the role of this variant in disease. Therefore, it has been classified as a Variant of Uncertain Significance.

Mendelics
Classification: Uncertain significance. Last evaluated: 2022-05-04. Review status: criteria provided, single submitter. Criteria: Mendelics Assertion Criteria 2019. Collection method: clinical testing. Allele origin: germline.

Ambry Genetics
Classification: Uncertain significance for Inborn genetic diseases. Last evaluated: 2021-09-17. Review status: criteria provided, single submitter. Criteria: Ambry Variant Classification Scheme 2023. Collection method: clinical testing. Allele origin: germline.

Breakthrough Genomics
Classification: Uncertain significance. Review status: criteria provided, single submitter. Criteria: ACMG Guidelines, 2015. Collection method: not provided. Allele origin: germline. Inheritance: Autosomal dominant inheritance. Affected: yes.